The following is an entry in ClinVar:

ClinVar aggregate classification (germline): Benign/Likely benign (0 of 4 stars; one submission).

Submission:

ISCA site 4
Classification: Benign/Likely benign. Last evaluated: 2012-09-21. Review status: no assertion criteria provided. Collection method: clinical testing. Allele origin: unknown. Affected: yes. Observed: 4 variant alleles. Clinical features observed: Congenital hypothyroidism (HP:0000851), Short stature (HP:0004322), Attention deficit hyperactivity disorder (HP:0007018), Global developmental delay (HP:0001263), Autism (HP:0000717), Developmental delay AND/OR other significant developmental or morphological phenotypes, Abnormality of metabolism/homeostasis (HP:0001939), Delayed speech and language development (HP:0000750), Anxiety (HP:0000739).
Comment: Likely benign (3), Benign (1)

Copy number variation identified through the course of routine clinical cytogenomic testing in postnatal populations, with clinical assertions as classified by the original submitter.

GRCh38/hg38 Xp22.33(chrX:391777-392429)x0

Variant type: copy number loss.
Change: copy number 0 of chrX:391,777-392,429 (0.7 kb, GRCh38 coordinates, 1-based), cytogenetic band Xp22.33.
Identifiers: ClinVar variation 149364 (VCV000149364.2).